The following is an entry in ClinVar:

ClinVar aggregate classification (germline): Conflicting classifications of pathogenicity. Review status: criteria provided, conflicting classifications (1 of 4 stars). 6 submissions from 6 submitters: Uncertain significance (1); Likely benign (2). 3 of the submissions do not count toward it. Last evaluated 2026-01-14.

Conditions:
Trichothiodystrophy 2, photosensitive (TTD2). Identifiers: Orphanet 33364, MedGen C4225344, MONDO:0014615, OMIM 616390.
ERCC3-related disorder. Also called: ERCC3-related condition.

Allele frequency attached by ClinVar (database versions not stated): ExAC 0.00011; gnomAD 0.00015 and 0.00016; gnomAD exomes 0.00017 and 0.00022; TOPMed 0.00017.
gnomAD v4.1: 336 of 1,614,050 alleles (0.021%); highest among the groups gnomAD compares: Non-Finnish European, 0.027%; no homozygotes.

Submissions (6):

Labcorp Genetics (formerly Invitae), Labcorp
Classification: Likely benign. Last evaluated: 2026-01-14. Review status: criteria provided, single submitter. Criteria: Invitae Variant Classification Sherloc (09022015). Collection method: clinical testing. Allele origin: germline.

CeGaT Center for Human Genetics Tuebingen
Classification: Likely benign. Last evaluated: 2024-07-01. Review status: criteria provided, single submitter. Criteria: CeGaT Center For Human Genetics Tuebingen Variant Classification Criteria Version 2. Collection method: clinical testing. Allele origin: germline. Affected: yes. Observed: 2 variant alleles.
Comment: ERCC3: BP4, BP7

Baylor Genetics
Classification: Uncertain significance for Trichothiodystrophy 2, photosensitive. Last evaluated: 2018-12-21. Review status: criteria provided, single submitter. Criteria: ACMG Guidelines, 2015. Collection method: clinical testing. Allele origin: unknown. Affected: yes. Study: CSER-TexasKidsCanSeq.
Comment: This variant was determined to be of uncertain significance according to ACMG Guidelines, 2015 [PMID:25741868].

PreventionGenetics, part of Exact Sciences
Classification: Likely benign for ERCC3-related condition. Last evaluated: 2019-12-16. Review status: no assertion criteria provided. Collection method: clinical testing. Allele origin: germline. Not counted in ClinVar's aggregate classification.
Comment: This variant is classified as likely benign based on ACMG/AMP sequence variant interpretation guidelines (Richards et al. 2015 PMID: 25741868, with internal and published modifications).

Clinical Genetics DNA and cytogenetics Diagnostics Lab, Erasmus MC, Erasmus Medical Center
Classification: Likely benign. Review status: no assertion criteria provided. Collection method: clinical testing. Allele origin: germline. Affected: yes. Study: VKGL Data-share Consensus. Not counted in ClinVar's aggregate classification.

Genome Diagnostics Laboratory, University Medical Center Utrecht
Classification: Likely benign. Review status: no assertion criteria provided. Collection method: clinical testing. Allele origin: germline. Affected: yes. Study: VKGL Data-share Consensus. Not counted in ClinVar's aggregate classification.

NM_000122.2(ERCC3):c.417C>T (p.Tyr139=)

Gene: ERCC3 (ERCC excision repair 3, TFIIH core complex helicase subunit; minus strand). Cytogenetic location: 2q14.3.
Variant type: single nucleotide variant.
Coding change: c.417C>T on transcript NM_000122.2 (MANE Select); coding-DNA position 417, C replaced by T.
Protein change: p.Tyr139=; no amino-acid change (tyrosine 139 retained).
Molecular consequence: synonymous variant.
Genome position (GRCh38, 1-based): chr2:127,292,664, G>A on the plus strand (C>T on the coding strand, the complement: ERCC3 is on the minus strand). VCF-style: chr2-127292664-G-A. GRCh37 (hg19) VCF-style: chr2-128050240-G-A.
Other names: c.225C>T, p.Tyr75= (NM_001303416.2, NM_001303418.2).
Identifiers: ClinVar variation 721411 (VCV000721411.33), dbSNP rs529637184, ClinGen allele CA1858551.